The following is an entry in ClinVar:

NM_000059.4(BRCA2):c.7073C>T (p.Ser2358Phe)

Gene: BRCA2 (BRCA2 DNA repair associated; plus strand). Cytogenetic location: 13q13.1.
Variant type: single nucleotide variant.
Coding change: c.7073C>T on transcript NM_000059.4 (MANE Select); coding-DNA position 7073, C replaced by T.
Protein change: p.Ser2358Phe; replaces serine 2358 with phenylalanine.
Molecular consequence: missense variant. On other transcripts: non-coding transcript variant (1).
Genome position (GRCh38, 1-based): chr13:32,354,926, C>T. VCF-style: chr13-32354926-C-T. GRCh37 (hg19) VCF-style: chr13-32929063-C-T.
Other names: c.6977C>T, p.Ser2326Phe (NM_001406719.1); c.7073C>T, p.Ser2358Phe (NM_001406720.1, NM_001432077.1); c.2141C>T, p.Ser714Phe (NM_001406721.1); c.656C>T, p.Ser219Phe (NM_001406722.1); short protein forms S219F, S2326F, S2358F, S714F.
Identifiers: ClinVar variation 4802338 (VCV004802338.1).

ClinVar aggregate classification (germline): Uncertain significance (1 of 4 stars; one submission).

Conditions:
Hereditary breast ovarian cancer syndrome. Also called: Hereditary breast and ovarian cancer syndrome (HBOC); Hereditary breast and ovarian cancer; Breast and ovarian cancer; Hereditary breast and/or ovarian cancer syndrome; BRCA1- and BRCA2-Associated Hereditary Breast and Ovarian Cancer; Hereditary breast and ovarian cancer syndrome. Identifiers: Orphanet 145, MedGen C0677776, MeSH D061325, MONDO:0003582. Disease mechanism: loss of function.

Submission:

Labcorp Genetics (formerly Invitae), Labcorp
Classification: Uncertain significance for Hereditary breast ovarian cancer syndrome. Last evaluated: 2025-05-27. Review status: criteria provided, single submitter. Criteria: Invitae Variant Classification Sherloc (09022015). Collection method: clinical testing. Allele origin: germline.
Comment: This sequence change replaces serine, which is neutral and polar, with phenylalanine, which is neutral and non-polar, at codon 2358 of the BRCA2 protein (p.Ser2358Phe). This variant is not present in population databases (gnomAD no frequency). This variant has not been reported in the literature in individuals affected with BRCA2-related conditions. Invitae Evidence Modeling of protein sequence and biophysical properties (such as structural, functional, and spatial information, amino acid conservation, physicochemical variation, residue mobility, and thermodynamic stability) indicates that this missense variant is not expected to disrupt BRCA2 protein function with a negative predictive value of 95%. In summary, the available evidence is currently insufficient to determine the role of this variant in disease. Therefore, it has been classified as a Variant of Uncertain Significance.